The following is an entry in ClinVar:

NM_000017.4(ACADS):c.47-6C>A

Gene: ACADS (acyl-CoA dehydrogenase short chain; plus strand). Cytogenetic location: 12q24.31.
Variant type: single nucleotide variant.
Coding change: c.47-6C>A on transcript NM_000017.4 (MANE Select); 6 bases into the intron before coding-DNA position 47, C replaced by A.
Molecular consequence: intron variant.
Genome position (GRCh38, 1-based): chr12:120,727,020, C>A. VCF-style: chr12-120727020-C-A. GRCh37 (hg19) VCF-style: chr12-121164823-C-A.
Other names: c.47-6C>A (NM_001302554.2).
Identifiers: ClinVar variation 550915 (VCV000550915.8), dbSNP rs749023748, ClinGen allele CA608059887.

ClinVar aggregate classification (germline): Uncertain significance. Review status: criteria provided, multiple submitters, no conflicts (2 of 4 stars). 4 submissions from 4 submitters: Uncertain significance (3). 1 of the submissions does not count toward it. Last evaluated 2025-04-17.

Conditions:
Deficiency of butyryl-CoA dehydrogenase (ACADSD). Also called: SCAD DEFICIENCY, MILD; ACYL-CoA DEHYDROGENASE, SHORT-CHAIN, DEFICIENCY OF; SCADH DEFICIENCY; SCAD Deficiency; ACADS DEFICIENCY; Short-Chain Acyl-CoA Dehydrogenase Deficiency. Identifiers: Orphanet 26792, MedGen C0342783, MONDO:0008722, OMIM 201470. Disease mechanism: May be benign.

Submissions (4):

Labcorp Genetics (formerly Invitae), Labcorp
Classification: Uncertain significance for Deficiency of butyryl-CoA dehydrogenase. Last evaluated: 2025-04-17. Review status: criteria provided, single submitter. Criteria: Invitae Variant Classification Sherloc (09022015). Collection method: clinical testing. Allele origin: germline.
Comment: This sequence change falls in intron 1 of the ACADS gene. It does not directly change the encoded amino acid sequence of the ACADS protein. This variant is present in population databases (no rsID available, gnomAD 0.003%). This variant has been observed in individual(s) with clinical features of short chain acyl-CoA dehydrogenase (SCAD) deficiency (PMID: 16926354, 32802992). This variant is also known as IVS1-6C>A. ClinVar contains an entry for this variant (Variation ID: 550915). Algorithms developed to predict the effect of sequence changes on RNA splicing suggest that this variant may disrupt the consensus splice site. In summary, the available evidence is currently insufficient to determine the role of this variant in disease. Therefore, it has been classified as a Variant of Uncertain Significance.

Blueprint Genetics
Classification: Uncertain significance. Last evaluated: 2024-06-04. Review status: criteria provided, single submitter. Criteria: ACMG Guidelines, 2015. Collection method: clinical testing. Allele origin: germline.

Women's Health and Genetics/Laboratory Corporation of America, LabCorp
Classification: Uncertain significance. Last evaluated: 2024-05-28. Review status: criteria provided, single submitter. Criteria: LabCorp Variant Classification Summary - May 2015. Collection method: clinical testing. Allele origin: germline.
Comment: Variant summary: ACADS c.47-6C>A alters a nucleotide located close to a canonical splice site and therefore could affect mRNA splicing, leading to a significantly altered protein sequence. Several computational tools predict a significant impact on normal splicing: Two predict the variant abolishes a 3' acceptor site. Two predict the variant weakens a 3' acceptor site. Four predict the variant creates a 3' acceptor site. However, these predictions have yet to be confirmed by functional studies. The variant allele was found at a frequency of 8e-06 in 251362 control chromosomes. The available data on variant occurrences in the general population are insufficient to allow any conclusion about variant significance. c.47-6C>A has been reported in the literature in individuals affected with Deficiency Of Butyryl-CoA Dehydrogenase. However, a second causative variant was not identified (Adhikari_2020, van Maldegem_2006). These report(s) do not provide unequivocal conclusions about association of the variant with Deficiency Of Butyryl-CoA Dehydrogenase. To our knowledge, no experimental evidence demonstrating an impact on protein function has been reported. The following publications have been ascertained in the context of this evaluation (PMID: 32802992, 19800078, 16926354). ClinVar contains an entry for this variant (Variation ID: 550915). Based on the evidence outlined above, the variant was classified as uncertain significance.

Counsyl
Classification: Uncertain significance for Deficiency of butyryl-CoA dehydrogenase. Last evaluated: 2017-03-22. Review status: no assertion criteria provided. Collection method: clinical testing. Allele origin: unknown. Not counted in ClinVar's aggregate classification.

Literature cited by the submitters: PubMed 16926354 (cited by 3 submitters); PubMed 32802992 (cited by Labcorp Genetics (formerly Invitae), Labcorp and Women's Health and Genetics/Laboratory Corporation of America, LabCorp); PubMed 19800078 (cited by Women's Health and Genetics/Laboratory Corporation of America, LabCorp).